The following is an entry in ClinVar:

ClinVar aggregate classification (germline): Likely pathogenic. Review status: reviewed by expert panel (3 of 4 stars). 2 submissions from 2 submitters: Likely pathogenic (1). 1 of the submissions does not count toward it. Last evaluated 2022-06-06.

Conditions:
Creatine transporter deficiency (CCDS1). Also called: Creatine Transporter (CRTR) Deficiency; Mental retardation , X-linked with seizures, short stature and midface hypoplasia; Mental retardation , X-linked, with creatine transport deficiency; X-linked creatine transporter deficiency; X-linked creatine deficiency syndrome; SLC6A8-Related Creatine Transporter Deficiency. Identifiers: Orphanet 52503, MedGen C1845862, MONDO:0010305, OMIM 300352.

Submissions (2):

ClinGen Cerebral Creatine Deficiency Syndromes Variant Curation Expert Panel, ClinGen
Classification: Likely pathogenic for Creatine transporter deficiency. Last evaluated: 2022-06-06. Review status: reviewed by expert panel. Criteria: ClinGen_CCDS_ACMG_Specifications_SLC6A8_v1.1. Collection method: curation. Allele origin: germline. Inheritance: X-linked inheritance.
Comment: The NM_005629.4(SLC6A8):c.53_137delinsCCGTGT (p.Lys18fs) variant in SLC6A8 is a frameshift variant predicted to cause a premature stop codon in biologically-relevant-exon 1/13, leading to nonsense mediated decay in a gene in which loss-of-function is an established disease mechanism (PVS1). This variant is absent in population databases (PM2_Supporting), and to our current knowledge has not been reported in affected individuals in the literature. There is a ClinVar entry for this variant (Variation ID:533702). In summary, this variant meets the criteria to be classified as Likely Pathogenic for Creatine Transporter Deficiency based on the ACMG/AMP criteria applied, as specified by the ClinGen Cerebral Creatine Deficiency Syndromes Variant Curation Expert Panel (Specifications Version 1.0): PVS1, PM2_Supporting. (Classification approved by the ClinGen CCDS VCEP on June 6, 2022).

Labcorp Genetics (formerly Invitae), Labcorp
Classification: Pathogenic for Creatine transporter deficiency. Last evaluated: 2025-08-10. Review status: criteria provided, single submitter. Criteria: Invitae Variant Classification Sherloc (09022015). Collection method: clinical testing. Allele origin: germline. Not counted in ClinVar's aggregate classification.
Comment: This sequence change creates a premature translational stop signal (p.Lys18Thrfs*53) in the SLC6A8 gene. It is expected to result in an absent or disrupted protein product. Loss-of-function variants in SLC6A8 are known to be pathogenic (PMID: 22281021). This variant has not been reported in the literature in individuals affected with SLC6A8-related conditions. For these reasons, this variant has been classified as Pathogenic.

Literature cited by the submitters: PubMed 22281021 (cited by Labcorp Genetics (formerly Invitae), Labcorp).

NM_005629.4(SLC6A8):c.53_137delinsCCGTGT (p.Lys18fs)

Gene: SLC6A8 (solute carrier family 6 member 8; plus strand). Cytogenetic location: Xq28.
Variant type: Indel.
Coding change: c.53_137delinsCCGTGT on transcript NM_005629.4 (MANE Select); coding-DNA positions 53 to 137, the reference bases replaced by CCGTGT.
Protein change: p.Lys18fs; shifts the reading frame from lysine 18.
Molecular consequence: frameshift variant.
Genome position (GRCh38, 1-based): chrX:153,688,627-153,688,711, 85 bases replaced. GRCh37 (hg19): chrX:152,954,082-152,954,166.
Other names: NM_005629.4(SLC6A8):c.53_137delinsCCGTGT; p.Lys18fs; c.53_137delinsCCGTGT, p.Lys18fs (NM_001142805.2); short protein forms K18fs.
Identifiers: ClinVar variation 533702 (VCV000533702.8), dbSNP rs1557043770, ClinGen allele CA658799891.